The following is an entry in ClinVar:

NM_002049.4(GATA1):c.220G>A (p.Val74Ile)

Gene: GATA1 (GATA binding protein 1; plus strand). Cytogenetic location: Xp11.23.
Variant type: single nucleotide variant.
Coding change: c.220G>A on transcript NM_002049.4 (MANE Select); coding-DNA position 220, G replaced by A.
Protein change: p.Val74Ile; replaces valine 74 with isoleucine.
Molecular consequence: missense variant.
Genome position (GRCh38, 1-based): chrX:48,791,329, G>A. VCF-style: chrX-48791329-G-A. GRCh37 (hg19) VCF-style: chrX-48649736-G-A.
Other names: short protein forms V74I.
Identifiers: ClinVar variation 3377318 (VCV003377318.6).
Genomic context (GRCh38, chrX:48,791,329, plus strand): 5'-ACCGCTGCAGCTGCGGCACTGGCCTACTACAGGGACGCTGAGGCCTACAGACACTCCCCA[G>A]GTAACTCCATTGAGTGGCTGTCTTGGCATTGGCTGAGTGCTGTTGGGGTTGCCATGGAGA-3'
Protein context (NP_002040.1, residues 64-84): RDAEAYRHSP[Val74Ile]FQVYPLLNCM

ClinVar aggregate classification (germline): Conflicting classifications of pathogenicity. Review status: criteria provided, conflicting classifications (1 of 4 stars). 3 submissions from 3 submitters: Likely pathogenic (1); Uncertain significance (2). Last evaluated 2025-08-14.

Conditions:
Diamond-Blackfan anemia. Also called: Blackfan Diamond syndrome; Aregenerative anemia chronic congenital; Red cell aplasia, pure hereditary; Congenital hypoplastic anemia; Aase syndrome. Identifiers: Orphanet 124, MedGen C1260899, MeSH D029503, MONDO:0015253, HP:0004810.
GATA binding protein 1 related thrombocytopenia with dyserythropoiesis. Also called: GATA1-Related Cytopenia; GATA1-Related X-Linked Cytopenia. Identifiers: MedGen C1845837, MONDO:0100089.
X-linked dyserythropoetic anemia with abnormal platelets and neutropenia. Also called: ANEMIA, X-LINKED, WITH OR WITHOUT NEUTROPENIA AND/OR PLATELET ABNORMALITIES. Identifiers: Orphanet 363727, MedGen C3550856, MONDO:0010444, OMIM 300835.

Submissions (3):

Victorian Clinical Genetics Services, Murdoch Childrens Research Institute
Classification: Uncertain significance for X-linked dyserythropoetic anemia with abnormal platelets and neutropenia. Last evaluated: 2025-08-14. Review status: criteria provided, single submitter. Criteria: ACMG Guidelines, 2015. Collection method: clinical testing. Allele origin: germline. Affected: yes.
Comment: This variant is classified as VUS-3A. Evidence in support of pathogenic classification: Variant is absent from gnomAD (both v2 and v3); This variant has limited previous evidence of pathogenicity in unrelated individuals. It has been reported in at least eleven individuals with acute myeloid leukemia of down syndrome (DS-AML). The somatic status of this variant was only confirmed in one of these individuals (PMID: 24056718). Bone marrow aspirates or cord blood were sample types used in analysis in the other ten individuals (PMIDs: 20729467, 24056718, 24196768, 25615715, 27353457, 31606922, 32681702, 37858167); Another missense variant comparable to the one identified in this case has moderate previous evidence for pathogenicity. p.(Val74Leu) has been reported in at least two families with males affected with Diamond-Blackfan anaemia (DBA; PMIDs: 22706301, 24766296) and one family with severe anaemia without thrombocytopenia (PMID: 16783379). Furthermore, RNA studies from affected individuals demonstrated exon 2 skipping. This variant has also been classified once as pathogenic in Clinvar. p.(Val74Phe) has also been reported in at least two individuals with Down Syndrome transient abnormal myelopoiesis (TAM), likely as a somatic variant (PMIDs: 20729467, 27353457, 38814653). Additional information: Variant is predicted to result in a missense amino acid change from valine to isoleucine. This variant affects the last nucleotide of the exon and has been referred as a splicing error variant (PMIDs: 20729467, 31606922). However, the splicing defect has not been functionally proven. The nucleotide is highly conserved but SpliceAI does not predict missplicing; This variant is heterozygous; This gene is associated with X-linked disease. Although males are more severely affected, females can have a milder phenotype, composed of mild anaemia and thrombocytopenia (PMID: 33611093); No published segregation evidence has been identified for this variant; No published functional evidence has been identified for this variant; Variant is not located in an established domain, motif, hotspot or informative constraint region; Missense variant with inconclusive in silico prediction and high conservation; Loss of function is a known mechanism of disease in this gene and is associated with GATA1-related X-linked cytopenia (MONDO#0100089).

Labcorp Genetics (formerly Invitae), Labcorp
Classification: Uncertain significance for GATA binding protein 1 related thrombocytopenia with dyserythropoiesis; Diamond-Blackfan anemia. Last evaluated: 2025-03-23. Review status: criteria provided, single submitter. Criteria: Invitae Variant Classification Sherloc (09022015). Collection method: clinical testing. Allele origin: germline.
Comment: This sequence change replaces valine, which is neutral and non-polar, with isoleucine, which is neutral and non-polar, at codon 74 of the GATA1 protein (p.Val74Ile). This variant also falls at the last nucleotide of exon 2, which is part of the consensus splice site for this exon. This variant is not present in population databases (gnomAD no frequency). This variant has not been reported in the literature in individuals affected with GATA1-related conditions. ClinVar contains an entry for this variant (Variation ID: 3377318). Invitae Evidence Modeling of protein sequence and biophysical properties (such as structural, functional, and spatial information, amino acid conservation, physicochemical variation, residue mobility, and thermodynamic stability) indicates that this missense variant is not expected to disrupt GATA1 protein function with a negative predictive value of 95%. Variants that disrupt the consensus splice site are a relatively common cause of aberrant splicing (PMID: 17576681, 9536098). Algorithms developed to predict the effect of sequence changes on RNA splicing suggest that this variant may disrupt the consensus splice site. This variant disrupts the c.220G nucleotide in the GATA1 gene. Other variant(s) that disrupt this nucleotide have been determined to be pathogenic (PMID: 16783379, 22706301, 24766296, 30503522). This suggests that this nucleotide is clinically significant, and that variants that disrupt this position are likely to be disease-causing. In summary, the available evidence is currently insufficient to determine the role of this variant in disease. Therefore, it has been classified as a Variant of Uncertain Significance.

ARUP Laboratories, Molecular Genetics and Genomics, ARUP Laboratories
Classification: Likely pathogenic. Last evaluated: 2024-08-12. Review status: criteria provided, single submitter. Criteria: ARUP Molecular Germline Variant Investigation Process 2024. Collection method: clinical testing. Allele origin: germline.
Comment: The GATA1 c.220G>A; p.Val74Ile variant (rs587776452) to our knowledge, is not reported in the medical literature but is reported in ClinVar (Variation ID: 156266). This variant is absent from the Genome Aggregation Database (v2.1.1), indicating it is not a common polymorphism. Computational analyses are uncertain whether this missense variant is neutral or deleterious (REVEL: 0.417). However, this variant occurs at the last nucleotide of exon 2, and computational analyses (Alamut Visual Plus v.1.5.1) predict that this variant may impact splicing by weakening the canonical donor splice site. Additionally, another variant at this nucleotide, c.220G>C; p.Val74Leu, is reported in individuals and families affected with features of Diamond-Blackfan anemia including macrocytic anemia, low reticulocyte counts, erythroid hypoplasia, and modest elevation of fetal hemoglobin, and is considered pathogenic (Hollanda 2006, Klar 2014, Sankaran 2012, Ulirsch 2018). Functional assays of the c.220G>C; p.Val74Leu variant demonstrate exon 2 skipping, leading to production of the short form GATA-1s mRNA (Hollanda 2006, Sankaran 2012). Notably, somatic GATA1 variants leading to this short form GATA-1s mRNA in patients with Down syndrome develop transient myeloproliferative disorder and may result in acute megakaryoblastic leukemia (Alford 2011, Wechsler 2002). Based on available information, the c.220G>A; p.Val74Ile variant is considered to be likely pathogenic. References: Alford KA et al. Analysis of GATA1 mutations in Down syndrome transient myeloproliferative disorder and myeloid leukemia. Blood. 2011 Aug 25;118(8):2222-38. PMID: 21715302. Hollanda LM et al. An inherited mutation leading to production of only the short isoform of GATA-1 is associated with impaired erythropoiesis. Nat Genet. 2006 Jul;38(7):807-12. PMID: 16783379. Klar J et al. Recurrent GATA1 mutations in Diamond-Blackfan anaemia. Br J Haematol. 2014 Sep;166(6):949-51. PMID: 24766296. Sankaran VG et al. Exome sequencing identifies GATA1 mutations resulting in Diamond-Blackfan anemia. J Clin Invest. 2012 Jul;122(7):2439-43. PMID: 22706301. Ulirsch JC et al. The Genetic Landscape of Diamond-Blackfan Anemia. Am J Hum Genet. 2018 Dec 6;103(6):930-947. PMID: 30503522. Wechsler J et al. Acquired mutations in GATA1 in the megakaryoblastic leukemia of Down syndrome. Nat Genet. 2002 Sep;32(1):148-52. PMID: 12172547.

Literature cited by the submitters: PubMed 37858167 (cited by Victorian Clinical Genetics Services, Murdoch Childrens Research Institute); PubMed 33611093 (cited by Victorian Clinical Genetics Services, Murdoch Childrens Research Institute); PubMed 27353457 (cited by Victorian Clinical Genetics Services, Murdoch Childrens Research Institute); PubMed 20729467 (cited by Victorian Clinical Genetics Services, Murdoch Childrens Research Institute); PubMed 24056718 (cited by Victorian Clinical Genetics Services, Murdoch Childrens Research Institute); PubMed 31606922 (cited by Victorian Clinical Genetics Services, Murdoch Childrens Research Institute); PubMed 22706301 (cited by Victorian Clinical Genetics Services, Murdoch Childrens Research Institute and Labcorp Genetics (formerly Invitae), Labcorp); PubMed 32681702 (cited by Victorian Clinical Genetics Services, Murdoch Childrens Research Institute); PubMed 38814653 (cited by Victorian Clinical Genetics Services, Murdoch Childrens Research Institute); PubMed 24196768 (cited by Victorian Clinical Genetics Services, Murdoch Childrens Research Institute); PubMed 24766296 (cited by Victorian Clinical Genetics Services, Murdoch Childrens Research Institute and Labcorp Genetics (formerly Invitae), Labcorp); PubMed 25615715 (cited by Victorian Clinical Genetics Services, Murdoch Childrens Research Institute); PubMed 16783379 (cited by Victorian Clinical Genetics Services, Murdoch Childrens Research Institute and Labcorp Genetics (formerly Invitae), Labcorp); PubMed 17576681 (cited by Labcorp Genetics (formerly Invitae), Labcorp); PubMed 9536098 (cited by Labcorp Genetics (formerly Invitae), Labcorp); PubMed 30503522 (cited by Labcorp Genetics (formerly Invitae), Labcorp).